The following is an entry in ClinVar:

ClinVar aggregate classification (germline): Conflicting classifications of pathogenicity. Review status: criteria provided, conflicting classifications (1 of 4 stars). 7 submissions from 7 submitters: Uncertain significance (1); Benign (3); Likely benign (3). Last evaluated 2026-03-01.

Conditions:
Inborn genetic diseases. Identifiers: MedGen C0950123, MeSH D030342.
DYNC1H1-related disorder. Also called: DYNC1H1-related condition; DYNC1H1-related disorders. Identifiers: MedGen CN381529.
Charcot-Marie-Tooth disease axonal type 2O. Also called: CHARCOT-MARIE-TOOTH NEUROPATHY, AXONAL, TYPE 2O; CHARCOT-MARIE-TOOTH DISEASE, AXONAL, AUTOSOMAL DOMINANT, TYPE 2O; Charcot-Marie-Tooth Neuropathy Type 2O; Charcot-Marie-Tooth disease, axonal, type 20. Identifiers: Orphanet 284232, MedGen C3280220, MONDO:0013644, OMIM 614228.

Allele frequency attached by ClinVar (database versions not stated): gnomAD exomes 0.00011 and 0.00033; ExAC 0.00033; 1000 Genomes Project 0.00100; gnomAD 0.00112 and 0.00123; TOPMed 0.00122; ESP Exome Variant Server 0.00131; 1000 Genomes Project 30x 0.00156.
gnomAD v4.1: 344 of 1,614,212 alleles (0.021%); highest among the groups gnomAD compares: African/African-American, 0.41%; no homozygotes.

Submissions (7):

CeGaT Center for Human Genetics Tuebingen
Classification: Likely benign. Last evaluated: 2026-03-01. Review status: criteria provided, single submitter. Criteria: CeGaT Center For Human Genetics Tuebingen Variant Classification Criteria Version 2. Collection method: clinical testing. Allele origin: germline. Affected: yes. Observed: 1 variant allele.
Comment: DYNC1H1: BP4, BS1

Labcorp Genetics (formerly Invitae), Labcorp
Classification: Benign for Charcot-Marie-Tooth disease axonal type 2O. Last evaluated: 2026-01-31. Review status: criteria provided, single submitter. Criteria: Invitae Variant Classification Sherloc (09022015). Collection method: clinical testing. Allele origin: germline.

PreventionGenetics, part of Exact Sciences
Classification: Benign for DYNC1H1-related condition. Last evaluated: 2025-10-09. Review status: criteria provided, single submitter. Criteria: ACMG Guidelines, 2015. Collection method: clinical testing. Allele origin: germline.
Comment: This variant is classified as benign based on ACMG/AMP sequence variant interpretation guidelines (Richards et al. 2015 PMID: 25741868, with internal and published modifications).

ARUP Laboratories, Molecular Genetics and Genomics, ARUP Laboratories
Classification: Uncertain significance. Last evaluated: 2020-03-13. Review status: criteria provided, single submitter. Criteria: ARUP Molecular Germline Variant Investigation Process. Collection method: clinical testing. Allele origin: germline.
Comment: The DYNC1H1 c.9264-8T>G variant (rs368432468), to our knowledge, is not reported in the medical literature but is reported in ClinVar (Variation ID: 286522). This variant is found in the African population with an allele frequency of 0.46% (115/24966 alleles) in the Genome Aggregation Database. This is an intronic variant in a moderately conserved nucleotide, and computational analyses (Alamut v.2.11) predict that this variant may impact splicing weakening the nearby canonical acceptor splice site. Due to limited information, the clinical significance of the c.9264-8T>G variant is uncertain at this time.

Ambry Genetics
Classification: Likely benign for Inborn genetic diseases. Last evaluated: 2017-09-30. Review status: criteria provided, single submitter. Criteria: Ambry Variant Classification Scheme 2023. Collection method: clinical testing. Allele origin: germline.

Eurofins Ntd Llc (ga)
Classification: Likely benign. Last evaluated: 2016-03-18. Review status: criteria provided, single submitter. Criteria: EGL Classification Definitions 2015. Collection method: clinical testing. Allele origin: germline. Observed: 1 variant allele, 1 heterozygote.

GeneDx
Classification: Benign. Last evaluated: 2015-06-18. Review status: criteria provided, single submitter. Criteria: GeneDx Variant Classification (06012015). Collection method: clinical testing. Allele origin: germline. Affected: yes.
Comment: This variant is considered likely benign or benign based on one or more of the following criteria: it is a conservative change, it occurs at a poorly conserved position in the protein, it is predicted to be benign by multiple in silico algorithms, and/or has population frequency not consistent with disease.

NM_001376.5(DYNC1H1):c.9264-8T>G

Genes: DYNC1H1 (dynein cytoplasmic 1 heavy chain 1; plus strand), LOC126862060 (BRD4-independent group 4 enhancer GRCh37_chr14:102493659-102494858; plus strand). Cytogenetic location: 14q32.31.
Variant type: single nucleotide variant.
Coding change: c.9264-8T>G on transcript NM_001376.5 (MANE Select); 8 bases into the intron before coding-DNA position 9264, T replaced by G.
Molecular consequence: intron variant.
Genome position (GRCh38, 1-based): chr14:102,027,929, T>G. VCF-style: chr14-102027929-T-G. GRCh37 (hg19) VCF-style: chr14-102494266-T-G.
Identifiers: ClinVar variation 286522 (VCV000286522.30), dbSNP rs368432468, ClinGen allele CA7353204.
Genomic context (GRCh38, chr14:102,027,929, plus strand): 5'-GTCGGTGTCCTTCCAAGGGACAAAGCCTGCCCCTCATAGCTGTCCTGAAACATGGGCCTC[T>G]TTCTCAGGTGTGTGTTGAATTGGTTTGGAGACTGGTCCACCGAAGCACTGTATCAGGTTG-3'